The following is an entry in ClinVar:

ClinVar aggregate classification (germline): Uncertain significance (1 of 4 stars; one submission).

Submission:

Dasa
Classification: Uncertain significance. Last evaluated: 2026-02-10. Review status: criteria provided, single submitter. Criteria: DASA Assertion Criteria. Collection method: clinical testing. Allele origin: germline.
Comment: NM_005223.4(DNASE1):c.247_250dup (p.Thr84Argfs*9) introduces a premature termination codon predicted to result in loss of normal protein function. Loss-of-function is an established mechanism of disease for this gene. The variant is present at low frequency in population datasets. Based on the available data, this variant is classified as variant of uncertain significance.

NM_005223.4(DNASE1):c.247_250dup (p.Thr84fs)

Gene: DNASE1 (deoxyribonuclease 1; plus strand). Cytogenetic location: 16p13.3.
Variant type: Duplication.
Coding change: c.247_250dup on transcript NM_005223.4 (MANE Select); coding-DNA positions 247 to 250, 4 bases duplicated (GACA; older notation c.247_250dupGACA).
Protein change: p.Thr84fs; shifts the reading frame from threonine 84.
Molecular consequence: frameshift variant. On other transcripts: non-coding transcript variant (2).
Genome position (GRCh38, 1-based): chr16:3,656,112-3,656,115, GACA duplicated; duplicating any 4 consecutive bases within chr16:3,656,110-3,656,115 gives the same sequence; the c. name uses the placement nearest the transcript's 3' end. VCF-style (leftmost placement, unchanged base first): chr16-3656109-C-CCAGA. GRCh37 (hg19) VCF-style: chr16-3706110-C-CCAGA.
Other names: c.247_250dup, p.Thr84fs (NM_001351825.2, NM_001387135.1, NM_001387139.1 and 1 more transcripts); c.40_43dup, p.Thr15fs (NM_001387141.1); short protein forms T15fs, T84fs.
Identifiers: ClinVar variation 4851835 (VCV004851835.1).